The following is an entry in ClinVar:

ClinVar aggregate classification (germline): Likely benign. Review status: criteria provided, multiple submitters, no conflicts (2 of 4 stars). 2 submissions from 2 submitters: Likely benign (2). Last evaluated 2018-06-14.

Allele frequency attached by ClinVar (database versions not stated): gnomAD 0.00613 and 0.00655; TOPMed 0.00648; 1000 Genomes Project 0.00679; 1000 Genomes Project 30x 0.00687.
gnomAD v4.1: 1,628 of 1,364,032 alleles (0.12%); highest among the groups gnomAD compares: African/African-American, 2.1%; 18 homozygotes.

Submissions (2):

GeneDx
Classification: Likely benign. Last evaluated: 2018-06-14. Review status: criteria provided, single submitter. Criteria: GeneDx Variant Classification (06012015). Collection method: clinical testing. Allele origin: germline. Affected: yes.
Comment: This variant is considered likely benign or benign based on one or more of the following criteria: it is a conservative change, it occurs at a poorly conserved position in the protein, it is predicted to be benign by multiple in silico algorithms, and/or has population frequency not consistent with disease.

Breakthrough Genomics
Classification: Likely benign. Review status: criteria provided, single submitter. Criteria: ACMG Guidelines, 2015. Collection method: not provided. Allele origin: germline. Inheritance: Autosomal dominant inheritance. Affected: yes.

NM_001386795.1(DTNA):c.1435-83C>A

Gene: DTNA (dystrobrevin alpha; plus strand). Cytogenetic location: 18q12.1.
Variant type: single nucleotide variant.
Coding change: c.1435-83C>A on transcript NM_001386795.1 (MANE Select); 83 bases into the intron before coding-DNA position 1435, C replaced by A.
Molecular consequence: intron variant.
Genome position (GRCh38, 1-based): chr18:34,851,748, C>A. VCF-style: chr18-34851748-C-A. GRCh37 (hg19) VCF-style: chr18-32431712-C-A.
Other names: c.1183-83C>A (NM_032975.4, NM_001386761.1, NM_032979.5); c.1183-86C>A (NM_001386762.1); c.1264-83C>A (NM_001386754.1, NM_001386755.1, NM_001386757.1 and 4 more transcripts); c.1264-86C>A (NM_001386760.1); c.1174-83C>A (NM_001386763.1, NM_001386764.1, NM_001386771.1 and 9 more transcripts); c.1174-86C>A (NM_001386768.1, NM_001386773.1, NM_001386769.1 and 1 more transcripts); c.604-83C>A (NM_001198945.2); c.1435-83C>A (NM_001386788.1); and 7 more.
Identifiers: ClinVar variation 675772 (VCV000675772.2), dbSNP rs73949013, ClinGen allele CA297789125.